The following is an entry in ClinVar:

ClinVar aggregate classification (germline): Uncertain significance (1 of 4 stars; one submission).

Allele frequency attached by ClinVar (database versions not stated): gnomAD exomes below 0.00001.
gnomAD v4.1: 12 of 1,611,116 alleles (0.00074%); highest among the groups gnomAD compares: African/African-American, 0.0013%; no homozygotes.

Submission:

Labcorp Genetics (formerly Invitae), Labcorp
Classification: Uncertain significance. Last evaluated: 2022-01-15. Review status: criteria provided, single submitter. Criteria: Invitae Variant Classification Sherloc (09022015). Collection method: clinical testing. Allele origin: germline.
Comment: In summary, the available evidence is currently insufficient to determine the role of this variant in disease. Therefore, it has been classified as a Variant of Uncertain Significance. Algorithms developed to predict the effect of missense changes on protein structure and function are either unavailable or do not agree on the potential impact of this missense change (SIFT: "Deleterious"; PolyPhen-2: "Probably Damaging"; Align-GVGD: "Class C0"). This variant has not been reported in the literature in individuals affected with MPDZ-related conditions. This variant is present in population databases (no rsID available, gnomAD 0.0009%). This sequence change replaces valine, which is neutral and non-polar, with methionine, which is neutral and non-polar, at codon 635 of the MPDZ protein (p.Val635Met).

NM_001378778.1(MPDZ):c.1903G>A (p.Val635Met)

Gene: MPDZ (multiple PDZ domain crumbs cell polarity complex component; minus strand). Cytogenetic location: 9p23.
Variant type: single nucleotide variant.
Coding change: c.1903G>A on transcript NM_001378778.1 (MANE Select); coding-DNA position 1903, G replaced by A.
Protein change: p.Val635Met; replaces valine 635 with methionine.
Molecular consequence: missense variant.
Genome position (GRCh38, 1-based): chr9:13,192,196, C>T on the plus strand (G>A on the coding strand, the complement: MPDZ is on the minus strand). VCF-style: chr9-13192196-C-T. GRCh37 (hg19) VCF-style: chr9-13192195-C-T.
Other names: c.1903G>A, p.Val635Met (NM_001261406.2, NM_001261407.2, NM_001330637.2 and 14 more transcripts); short protein forms V635M.
Identifiers: ClinVar variation 1434805 (VCV001434805.8), dbSNP rs1193784415, ClinGen allele CA372939298.